The following is an entry in ClinVar:

ClinVar aggregate classification (germline): Uncertain significance (1 of 4 stars; one submission).

Conditions:
Familial adenomatous polyposis 1 (FAP1). Also called: FAMILIAL ADENOMATOUS POLYPOSIS 1, ATTENUATED; POLYPOSIS, ADENOMATOUS INTESTINAL. Identifiers: MedGen C2713442, MONDO:0021056, OMIM 175100. Disease mechanism: loss of function.

Submission:

Labcorp Genetics (formerly Invitae), Labcorp
Classification: Uncertain significance for Familial adenomatous polyposis 1. Last evaluated: 2024-12-15. Review status: criteria provided, single submitter. Criteria: Invitae Variant Classification Sherloc (09022015). Collection method: clinical testing. Allele origin: germline.
Comment: This variant occurs in a non-coding region of the APC gene. It does not change the encoded amino acid sequence of the APC protein. This variant is not present in population databases (gnomAD no frequency). This variant has not been reported in the literature in individuals affected with APC-related conditions. Experimental studies and prediction algorithms are not available or were not evaluated, and the functional significance of this variant is currently unknown. In summary, the available evidence is currently insufficient to determine the role of this variant in disease. Therefore, it has been classified as a Variant of Uncertain Significance.

NC_000005.10:g.112707457T>G

Gene: APC (APC regulator of Wnt signaling pathway; plus strand). Cytogenetic location: 5q22.2.
Variant type: single nucleotide variant.
Genome position: GRCh38 VCF-style: chr5-112707457-T-G. GRCh37 (hg19) VCF-style: chr5-112043154-T-G.
Identifiers: ClinVar variation 1371537 (VCV001371537.8), dbSNP rs1312495728, ClinGen allele CA802056936.